The following is an entry in ClinVar:

ClinVar aggregate classification (germline): Uncertain significance. Review status: criteria provided, multiple submitters, no conflicts (2 of 4 stars). 2 submissions from 2 submitters: Uncertain significance (2). Last evaluated 2024-12-17.

Conditions:
Muscle AMP deaminase deficiency (MMDD). Also called: ADENOSINE MONOPHOSPHATE DEAMINASE-1 DEFICIENCY, MYOPATHY DUE TO; AMPD1 DEFICIENCY; Myoadenylate deaminase deficiency, myopathy due to; Adenosine monophosphate deaminase 1 deficiency; AMP deaminase 1 deficiency; Adenosine Monophosphate Deaminase 1. Identifiers: Orphanet 45, MedGen C3714933, MONDO:0014220, OMIM 615511.

Allele frequency attached by ClinVar (database versions not stated): ExAC 0.00012; gnomAD exomes 0.00013; ESP Exome Variant Server 0.00015; 1000 Genomes Project 0.00020; 1000 Genomes Project 30x 0.00031.
gnomAD v4.1: 117 of 1,614,138 alleles (0.0072%); highest among the groups gnomAD compares: Admixed American, 0.07%; no homozygotes.

Submissions (2):

Labcorp Genetics (formerly Invitae), Labcorp
Classification: Uncertain significance for Muscle AMP deaminase deficiency. Last evaluated: 2024-12-17. Review status: criteria provided, single submitter. Criteria: Invitae Variant Classification Sherloc (09022015). Collection method: clinical testing. Allele origin: germline.
Comment: This sequence change replaces glycine, which is neutral and non-polar, with serine, which is neutral and polar, at codon 246 of the AMPD1 protein (p.Gly246Ser). This variant is present in population databases (rs373262677, gnomAD 0.07%). This variant has not been reported in the literature in individuals affected with AMPD1-related conditions. ClinVar contains an entry for this variant (Variation ID: 1492928). Invitae Evidence Modeling of protein sequence and biophysical properties (such as structural, functional, and spatial information, amino acid conservation, physicochemical variation, residue mobility, and thermodynamic stability) indicates that this missense variant is not expected to disrupt AMPD1 protein function with a negative predictive value of 80%. In summary, the available evidence is currently insufficient to determine the role of this variant in disease. Therefore, it has been classified as a Variant of Uncertain Significance.

Revvity Omics, Revvity
Classification: Uncertain significance for Muscle AMP deaminase deficiency. Last evaluated: 2019-09-13. Review status: criteria provided, single submitter. Criteria: ACMG Guidelines, 2015. Collection method: clinical testing. Allele origin: germline.

NM_000036.3(AMPD1):c.637G>A (p.Gly213Ser)

Gene: AMPD1 (adenosine monophosphate deaminase 1; minus strand). Cytogenetic location: 1p13.2.
Variant type: single nucleotide variant.
Coding change: c.637G>A on transcript NM_000036.3 (MANE Select); coding-DNA position 637, G replaced by A.
Protein change: p.Gly213Ser; replaces glycine 213 with serine.
Molecular consequence: missense variant.
Genome position (GRCh38, 1-based): chr1:114,680,389, C>T on the plus strand (G>A on the coding strand, the complement: AMPD1 is on the minus strand). VCF-style: chr1-114680389-C-T. GRCh37 (hg19) VCF-style: chr1-115223010-C-T.
Other names: c.625G>A, p.Gly209Ser (NM_001172626.2); c.736G>A (NM_000036.2); short protein forms G209S, G213S.
Identifiers: ClinVar variation 1492928 (VCV001492928.7), dbSNP rs373262677, ClinGen allele CA1020354.